The following is an entry in ClinVar:

ClinVar aggregate classification (germline): Pathogenic/Likely pathogenic. Review status: criteria provided, multiple submitters, no conflicts (2 of 4 stars). 4 submissions from 4 submitters: Pathogenic (2); Likely pathogenic (2). Last evaluated 2026-08-06.

Conditions:
SEC23B-related disorder. Also called: SEC23B-related disorders; SEC23B-related condition.
Congenital dyserythropoietic anemia, type II (CDAN2). Also called: DYSERYTHROPOIETIC ANEMIA, HEMPAS TYPE. Identifiers: Orphanet 98873, MedGen C1306589, MONDO:0009134, OMIM 224100.
Cowden syndrome 7 (CWS7). Identifiers: Orphanet 201, MedGen C4225179, MONDO:0014802, OMIM 616858.

Submissions (4):

PreventionGenetics, part of Exact Sciences
Classification: Likely pathogenic for SEC23B-related condition. Last evaluated: 2026-08-06. Review status: criteria provided, single submitter. Criteria: ACMG Guidelines, 2015. Collection method: clinical testing. Allele origin: germline.
Comment: The SEC23B c.1710dupT variant is predicted to result in premature protein termination (p.Arg571*). To our knowledge, this variant has not been reported in the literature. This variant is reported in 0.0026% of alleles in individuals of European (Non-Finnish) descent in gnomAD. Nonsense variants in SEC23B are expected to be pathogenic. This variant is interpreted as likely pathogenic.

Mayo Clinic Laboratories, Mayo Clinic
Classification: Likely pathogenic. Last evaluated: 2024-12-05. Review status: criteria provided, single submitter. Criteria: ACMG Guidelines, 2015. Collection method: clinical testing. Allele origin: germline. Observed: 1 variant allele.
Comment: PM2_supporting, PVS1

Labcorp Genetics (formerly Invitae), Labcorp
Classification: Pathogenic for Congenital dyserythropoietic anemia, type II; Cowden syndrome 7. Last evaluated: 2024-02-22. Review status: criteria provided, single submitter. Criteria: Invitae Variant Classification Sherloc (09022015). Collection method: clinical testing. Allele origin: germline.
Comment: This sequence change creates a premature translational stop signal (p.Arg571*) in the SEC23B gene. It is expected to result in an absent or disrupted protein product. Loss-of-function variants in SEC23B are known to be pathogenic (PMID: 19561605, 25044164). This variant is present in population databases (rs771869140, gnomAD 0.002%). This variant has not been reported in the literature in individuals affected with SEC23B-related conditions. ClinVar contains an entry for this variant (Variation ID: 1978944). For these reasons, this variant has been classified as Pathogenic.

ARUP Laboratories, Molecular Genetics and Genomics, ARUP Laboratories
Classification: Pathogenic. Last evaluated: 2023-11-27. Review status: criteria provided, single submitter. Criteria: ARUP Molecular Germline Variant Investigation Process 2024. Collection method: clinical testing. Allele origin: germline.
Comment: The SEC23B c.1710dup; p.Arg571Ter variant (rs771869140), to our knowledge, is not reported in the medical literature or gene specific databases. This variant is reported in ClinVar (Variation ID: 1978944). This variant is found in the general population with an overall allele frequency of 0.0012 % (3/251394 alleles) in the Genome Aggregation Database. This variant causes a frameshift by inserting a single nucleotide, so it is predicted to result in a truncated protein or mRNA subject to nonsense-mediated decay. Based on available information, this variant is considered to be pathogenic.

Literature cited by the submitters: PubMed 19561605 (cited by Labcorp Genetics (formerly Invitae), Labcorp); PubMed 25044164 (cited by Labcorp Genetics (formerly Invitae), Labcorp).

NM_006363.6(SEC23B):c.1710dup (p.Arg571Ter)

Gene: SEC23B (SEC23 homolog B, COPII component; plus strand). Cytogenetic location: 20p11.23.
Variant type: Duplication.
Coding change: c.1710dup on transcript NM_006363.6 (MANE Select); coding-DNA position 1710, one base duplicated (T; older notation c.1710dupT).
Protein change: p.Arg571Ter; replaces arginine 571 with a stop codon.
Molecular consequence: nonsense.
Genome position (GRCh38, 1-based): chr20:18,546,000, T duplicated; the last of 4 consecutive T bases (chr20:18,545,997-18,546,000); duplicating any one gives the same sequence. VCF-style (leftmost placement, unchanged base first): chr20-18545996-C-CT. GRCh37 (hg19) VCF-style: chr20-18526640-C-CT.
Other names: p.Arg571*; c.1710dupT (NM_006363.4); c.1710dup, p.Arg571Ter (NM_001172745.3, NM_032985.6, NM_032986.5); c.1656dup, p.Arg553Ter (NM_001172746.3); short protein forms R571*, R553*.
Identifiers: ClinVar variation 1978944 (VCV001978944.7), dbSNP rs771869140, ClinGen allele CA9778466.